The following is an entry in ClinVar:

NM_001080517.3(SETD5):c.1006A>G (p.Met336Val)

Gene: SETD5 (SET domain containing 5; plus strand). Cytogenetic location: 3p25.3.
Variant type: single nucleotide variant.
Coding change: c.1006A>G on transcript NM_001080517.3 (MANE Select); coding-DNA position 1006, A replaced by G.
Protein change: p.Met336Val; replaces methionine 336 with valine.
Molecular consequence: missense variant.
Genome position (GRCh38, 1-based): chr3:9,442,174, A>G. VCF-style: chr3-9442174-A-G. GRCh37 (hg19) VCF-style: chr3-9483858-A-G.
Other names: c.712A>G, p.Met238Val (NM_001292043.2, NM_001349451.2); short protein forms M238V, M336V.
Identifiers: ClinVar variation 4057127 (VCV004057127.1).

ClinVar aggregate classification (germline): Uncertain significance (1 of 4 stars; one submission).

Submission:

GeneDx
Classification: Uncertain significance. Last evaluated: 2025-01-13. Review status: criteria provided, single submitter. Criteria: GeneDx Variant Classification Process June 2021. Collection method: clinical testing. Allele origin: germline. Affected: yes.
Comment: Not observed at significant frequency in large population cohorts (gnomAD); In silico analysis indicates that this missense variant does not alter protein structure/function; Has not been previously published as pathogenic or benign to our knowledge